The following is an entry in ClinVar:

ClinVar aggregate classification (germline): Uncertain significance (1 of 4 stars; one submission).

Conditions:
MHC class II deficiency. Also called: Bare lymphocyte syndrome 2; BLS, TYPE II. Identifiers: Orphanet 572, MedGen C5447452, MONDO:0008855.

Allele frequency attached by ClinVar (database versions not stated): TOPMed below 0.00001; gnomAD exomes 0.00001.
gnomAD v4.1: 18 of 1,613,800 alleles (0.0011%); highest among the groups gnomAD compares: Admixed American, 0.0017%; no homozygotes.

Submission:

Labcorp Genetics (formerly Invitae), Labcorp
Classification: Uncertain significance for MHC class II deficiency. Last evaluated: 2025-07-31. Review status: criteria provided, single submitter. Criteria: Invitae Variant Classification Sherloc (09022015). Collection method: clinical testing. Allele origin: germline.
Comment: This sequence change replaces isoleucine, which is neutral and non-polar, with threonine, which is neutral and polar, at codon 137 of the RFXANK protein (p.Ile137Thr). This variant is not present in population databases (gnomAD no frequency). This variant has not been reported in the literature in individuals affected with RFXANK-related conditions. ClinVar contains an entry for this variant (Variation ID: 2202575). Invitae Evidence Modeling of protein sequence and biophysical properties (such as structural, functional, and spatial information, amino acid conservation, physicochemical variation, residue mobility, and thermodynamic stability) indicates that this missense variant is not expected to disrupt RFXANK protein function with a negative predictive value of 80%. In summary, the available evidence is currently insufficient to determine the role of this variant in disease. Therefore, it has been classified as a Variant of Uncertain Significance.

NM_003721.4(RFXANK):c.410T>C (p.Ile137Thr)

Gene: RFXANK (regulatory factor X associated ankyrin containing protein; plus strand). Cytogenetic location: 19p13.11.
Variant type: single nucleotide variant.
Coding change: c.410T>C on transcript NM_003721.4 (MANE Select); coding-DNA position 410, T replaced by C.
Protein change: p.Ile137Thr; replaces isoleucine 137 with threonine.
Molecular consequence: missense variant.
Genome position (GRCh38, 1-based): chr19:19,197,593, T>C. VCF-style: chr19-19197593-T-C. GRCh37 (hg19) VCF-style: chr19-19308402-T-C.
Other names: c.344T>C, p.Ile115Thr (NM_001278727.2, NM_001370234.1); c.341T>C, p.Ile114Thr (NM_001278728.2, NM_134440.3); c.410T>C, p.Ile137Thr (NM_001370233.1, NM_001370238.1); c.407T>C, p.Ile136Thr (NM_001370235.1, NM_001370236.1, NM_001370237.1); short protein forms I114T, I137T, I115T, I136T.
Identifiers: ClinVar variation 2202575 (VCV002202575.3), dbSNP rs2060623767, ClinGen allele CA404894938.